The following is an entry in ClinVar:

NM_003954.5(MAP3K14):c.2144C>G (p.Pro715Arg)

Genes: MAP3K14 (mitogen-activated protein kinase kinase kinase 14; minus strand), MAP3K14-AS1 (MAP3K14 antisense RNA 1; plus strand), LOC126862575 (CDK7 strongly-dependent group 2 enhancer GRCh37_chr17:43344006-43345205; plus strand). Cytogenetic location: 17q21.31.
Variant type: single nucleotide variant.
Coding change: c.2144C>G on transcript NM_003954.5 (MANE Select); coding-DNA position 2144, C replaced by G.
Protein change: p.Pro715Arg; replaces proline 715 with arginine.
Molecular consequence: missense variant.
Genome position (GRCh38, 1-based): chr17:45,267,588, G>C on the plus strand (C>G on the coding strand, the complement: MAP3K14 is on the minus strand). VCF-style: chr17-45267588-G-C. GRCh37 (hg19) VCF-style: chr17-43344955-G-C.
Other names: short protein forms P715R.
Identifiers: ClinVar variation 1437912 (VCV001437912.6), dbSNP rs1246398259, ClinGen allele CA399875625.
Genomic context (GRCh38, chr17:45,267,588, plus strand): 5'-TCCTTGCTCAAAGTCAAGGGAGGAGACTTGTTTGGCTCTGGGGGCTCTGGTGGGAGAGGA[G>C]GCTGGAGCTTAGGGGCTCTGCCTGTTGTCTCCTCAGCTGGCCGGGGCCCTGGGGCCCTTG-3'
Protein context (NP_003945.2, residues 705-725): ETTGRAPKLQ[Pro715Arg]PLPPEPPEPN

ClinVar aggregate classification (germline): Uncertain significance (1 of 4 stars; one submission).

Conditions:
NIK deficiency. Also called: Primary immunodeficiency with multifaceted aberrant lymphoid immunity. Identifiers: Orphanet 447731, MedGen C5680065, MONDO:0018642.

Allele frequency attached by ClinVar (database versions not stated): gnomAD exomes below 0.00001 and 0.00001; gnomAD 0.00001.
gnomAD v4.1: 12 of 1,613,088 alleles (0.00074%); highest among the groups gnomAD compares: Non-Finnish European, 0.001%; no homozygotes.

Submission:

Labcorp Genetics (formerly Invitae), Labcorp
Classification: Uncertain significance for NIK deficiency. Last evaluated: 2022-10-04. Review status: criteria provided, single submitter. Criteria: Invitae Variant Classification Sherloc (09022015). Collection method: clinical testing. Allele origin: germline.
Comment: ClinVar contains an entry for this variant (Variation ID: 1437912). In summary, the available evidence is currently insufficient to determine the role of this variant in disease. Therefore, it has been classified as a Variant of Uncertain Significance. Experimental studies and prediction algorithms are not available or were not evaluated, and the functional significance of this variant is currently unknown. This variant has not been reported in the literature in individuals affected with MAP3K14-related conditions. This variant is present in population databases (no rsID available, gnomAD 0.0009%). This sequence change replaces proline with arginine at codon 715 of the MAP3K14 protein (p.Pro715Arg). The proline residue is highly conserved and there is a moderate physicochemical difference between proline and arginine.